The following is an entry in ClinVar:

ClinVar aggregate classification (germline): Conflicting classifications of pathogenicity. Review status: criteria provided, conflicting classifications (1 of 4 stars). 3 submissions from 3 submitters: Uncertain significance (1); Likely benign (1). 1 of the submissions does not count toward it. Last evaluated 2023-08-01.

Conditions:
PKHD1-related disorder. Also called: PKHD1-related condition.
Autosomal recessive polycystic kidney disease (ARPKD). Also called: AR polycystic kidney disease. Identifiers: Orphanet 731, Orphanet 8378, MedGen C0085548, MeSH D017044, MONDO:0009889.

Allele frequency attached by ClinVar (database versions not stated): gnomAD exomes 0.00001 and 0.00002; ExAC 0.00003; TOPMed 0.00003; gnomAD 0.00006 and 0.00007; ESP Exome Variant Server 0.00008; 1000 Genomes Project 30x 0.00016; 1000 Genomes Project 0.00020.
gnomAD v4.1: 15 of 1,614,192 alleles (0.00093%); highest among the groups gnomAD compares: African/African-American, 0.012%; no homozygotes.

Submissions (3):

Labcorp Genetics (formerly Invitae), Labcorp
Classification: Likely benign for Autosomal recessive polycystic kidney disease. Last evaluated: 2023-08-01. Review status: criteria provided, single submitter. Criteria: Invitae Variant Classification Sherloc (09022015). Collection method: clinical testing. Allele origin: germline.

Eurofins Ntd Llc (ga)
Classification: Uncertain significance. Last evaluated: 2016-09-15. Review status: criteria provided, single submitter. Criteria: EGL Classification Definitions 2015. Collection method: clinical testing. Allele origin: germline. Observed: 1 variant allele, 1 heterozygote.

PreventionGenetics, part of Exact Sciences
Classification: Likely benign for PKHD1-related condition. Last evaluated: 2022-02-04. Review status: no assertion criteria provided. Collection method: clinical testing. Allele origin: germline. Not counted in ClinVar's aggregate classification.
Comment: This variant is classified as likely benign based on ACMG/AMP sequence variant interpretation guidelines (Richards et al. 2015 PMID: 25741868, with internal and published modifications).

NM_138694.4(PKHD1):c.2091G>A (p.Thr697=)

Gene: PKHD1 (PKHD1 ciliary IPT domain containing fibrocystin/polyductin; minus strand). Cytogenetic location: 6p12.2.
Variant type: single nucleotide variant.
Coding change: c.2091G>A on transcript NM_138694.4 (MANE Select); coding-DNA position 2091, G replaced by A.
Protein change: p.Thr697=; no amino-acid change (threonine 697 retained).
Molecular consequence: synonymous variant.
Genome position (GRCh38, 1-based): chr6:52,053,125, C>T on the plus strand (G>A on the coding strand, the complement: PKHD1 is on the minus strand). VCF-style: chr6-52053125-C-T. GRCh37 (hg19) VCF-style: chr6-51917923-C-T.
Other names: c.2091G>A, p.Thr697= (NM_170724.3); c.2091G>A (NM_138694.3).
Identifiers: ClinVar variation 291246 (VCV000291246.15), dbSNP rs147826962, ClinGen allele CA3853346.